The following is an entry in ClinVar:

ClinVar aggregate classification (germline): Uncertain significance (1 of 4 stars; one submission).

Conditions:
Hereditary cancer-predisposing syndrome. Also called: Neoplastic Syndromes, Hereditary; Tumor predisposition; Hereditary Cancer Syndrome; Hereditary neoplastic syndrome. Identifiers: Orphanet 140162, MedGen C0027672, MeSH D009386, MONDO:0015356.

Submission:

Ambry Genetics
Classification: Uncertain significance for Hereditary cancer-predisposing syndrome. Last evaluated: 2020-11-04. Review status: criteria provided, single submitter. Criteria: Ambry Variant Classification Scheme 2023. Collection method: clinical testing. Allele origin: germline.
Comment: The p.P549T variant (also known as c.1645C>A), located in coding exon 6 of the BLM gene, results from a C to A substitution at nucleotide position 1645. The proline at codon 549 is replaced by threonine, an amino acid with highly similar properties. This amino acid position is poorly conserved in available vertebrate species. In addition, this alteration is predicted to be tolerated by in silico analysis. Since supporting evidence is limited at this time, the clinical significance of this alteration remains unclear.

NM_000057.4(BLM):c.1645C>A (p.Pro549Thr)

Gene: BLM (BLM RecQ like helicase; plus strand). Cytogenetic location: 15q26.1.
Variant type: single nucleotide variant.
Coding change: c.1645C>A on transcript NM_000057.4 (MANE Select); coding-DNA position 1645, C replaced by A.
Protein change: p.Pro549Thr; replaces proline 549 with threonine.
Molecular consequence: missense variant.
Genome position (GRCh38, 1-based): chr15:90,761,018, C>A. VCF-style: chr15-90761018-C-A. GRCh37 (hg19) VCF-style: chr15-91304248-C-A.
Other names: c.1645C>A, p.Pro549Thr (NM_001287246.2, NM_001287247.2); c.520C>A, p.Pro174Thr (NM_001287248.2); short protein forms P549T, P174T.
Identifiers: ClinVar variation 1777133 (VCV001777133.2), dbSNP rs2151158671, ClinGen allele CA393843515.
Genomic context (GRCh38, chr15:90,761,018, plus strand): 5'-GCTGTGAAAGATCAGAATAAACATACTGCTTCAATAAATGACTTAGAAAGAGAAACCCAA[C>A]CTTCCTATGATATTGATAATTTTGACATAGATGACTTTGATGATGATGATGACTGGGAAG-3'
Protein context (NP_000048.1, residues 539-559): SINDLERETQ[Pro549Thr]SYDIDNFDID